The following is an entry in ClinVar:

ClinVar aggregate classification (germline): Likely benign. Review status: criteria provided, multiple submitters, no conflicts (2 of 4 stars). 2 submissions from 2 submitters: Likely benign (2). Last evaluated 2022-10-21.

Conditions:
Progressive sclerosing poliodystrophy (MTDPS4A). Also called: Alpers-Huttenlocher Syndrome (AHS); ALPERS PROGRESSIVE INFANTILE POLIODYSTROPHY; Mitochondrial DNA Depletion Syndrome 4A; Mitochondrial DNA depletion syndrome 4A (Alpers type); NEURONAL DEGENERATION OF CHILDHOOD WITH LIVER DISEASE, PROGRESSIVE; Alpers Syndrome. Identifiers: Orphanet 726, MedGen C0205710, MONDO:0008758, OMIM 203700.

Allele frequency attached by ClinVar (database versions not stated): TOPMed 0.00001.

Submissions (2):

Labcorp Genetics (formerly Invitae), Labcorp
Classification: Likely benign for Progressive sclerosing poliodystrophy. Last evaluated: 2022-10-21. Review status: criteria provided, single submitter. Criteria: Invitae Variant Classification Sherloc (09022015). Collection method: clinical testing. Allele origin: germline.

GeneDx
Classification: Likely benign. Last evaluated: 2017-03-07. Review status: criteria provided, single submitter. Criteria: GeneDx Variant Classification (06012015). Collection method: clinical testing. Allele origin: germline. Affected: yes.
Comment: This variant is considered likely benign or benign based on one or more of the following criteria: it is a conservative change, it occurs at a poorly conserved position in the protein, it is predicted to be benign by multiple in silico algorithms, and/or has population frequency not consistent with disease.

NM_002693.3(POLG):c.60A>G (p.Pro20=)

Genes: POLG (DNA polymerase gamma, catalytic subunit; minus strand), POLGARF (POLG alternative reading frame; minus strand). Cytogenetic location: 15q26.1.
Variant type: single nucleotide variant.
Coding change: c.60A>G on transcript NM_002693.3 (MANE Select); coding-DNA position 60, A replaced by G.
Protein change: p.Pro20=; no amino-acid change (proline 20 retained).
Molecular consequence: synonymous variant.
Genome position (GRCh38, 1-based): chr15:89,333,695, T>C on the plus strand (A>G on the coding strand, the complement: POLG is on the minus strand). VCF-style: chr15-89333695-T-C. GRCh37 (hg19) VCF-style: chr15-89876926-T-C.
Other names: c.60A>G, p.Pro20= (NM_001126131.2).
Identifiers: ClinVar variation 507673 (VCV000507673.6), dbSNP rs944054671, ClinGen allele CA274566790.
Genomic context (GRCh38, chr15:89,333,695, plus strand): 5'-CCGCTGCCCGTCGCTGGGGTCGGACGCGGGGACGGAGCTGGAGACCCAGCGCCCCGGAGC[T>C]GGAACCGGCCCTGGCCCGACGGTGGCGCCGGCCACCTTCCTCCAGAGCAGGCGGCTCATG-3'
Protein context (NP_002684.1, residues 10-30): AGATVGPGPV[Pro20=]APGRWVSSSV